The following is an entry in ClinVar:

ClinVar aggregate classification (germline): Uncertain significance (1 of 4 stars; one submission).

Submission:

GeneDx
Classification: Uncertain significance. Last evaluated: 2026-03-30. Review status: criteria provided, single submitter. Criteria: GeneDx Variant Classification Process June 2021. Collection method: clinical testing. Allele origin: germline.
Comment: Not observed at significant frequency in large population cohorts (gnomAD); In silico analysis supports that this missense variant has a deleterious effect on protein structure/function; Has not been previously published as pathogenic or benign to our knowledge

NM_000080.4(CHRNE):c.751T>C (p.Cys251Arg)

Genes: C17orf107 (chromosome 17 open reading frame 107; plus strand), CHRNE (cholinergic receptor nicotinic epsilon subunit; minus strand). Cytogenetic location: 17p13.2.
Variant type: single nucleotide variant.
Coding change: c.751T>C on transcript NM_000080.4 (MANE Select); coding-DNA position 751, T replaced by C.
Protein change: p.Cys251Arg; replaces cysteine 251 with arginine.
Molecular consequence: missense variant. On other transcripts: 3 prime UTR variant (1).
Genome position (GRCh38, 1-based): chr17:4,901,041, A>G on the plus strand (T>C on the coding strand, the complement: CHRNE is on the minus strand). VCF-style: chr17-4901041-A-G. GRCh37 (hg19) VCF-style: chr17-4804336-A-G.
Other names: c.*508A>G (NM_001145536.2); short protein forms C251R.
Identifiers: ClinVar variation 5017407 (VCV005017407.1).